The following is an entry in ClinVar:

NM_002618.4(PEX13):c.147C>T (p.Thr49=)

Gene: PEX13 (peroxisomal biogenesis factor 13; plus strand). Cytogenetic location: 2p15.
Variant type: single nucleotide variant.
Coding change: c.147C>T on transcript NM_002618.4 (MANE Select); coding-DNA position 147, C replaced by T.
Protein change: p.Thr49=; no amino-acid change (threonine 49 retained).
Molecular consequence: synonymous variant.
Genome position (GRCh38, 1-based): chr2:61,031,473, C>T. VCF-style: chr2-61031473-C-T. GRCh37 (hg19) VCF-style: chr2-61258608-C-T.
Other names: c.147C>T (NM_002618.3).
Identifiers: ClinVar variation 3010513 (VCV003010513.4), dbSNP rs776527517, ClinGen allele CA1673249.
Genomic context (GRCh38, chr2:61,031,473, plus strand): 5'-TTTTAGATCTGCTGATTTGGGTCCTACTTTAATGACAAGACCTGGACAACCAGCACTTAC[C>T]AGAGTGCCCCCACCTATTCTTCCAAGGCCATCACAGCAGACAGGAAGTAGCAGTGTGAAC-3'
Protein context (NP_002609.1, residues 39-59): LMTRPGQPAL[Thr49=]RVPPPILPRP

ClinVar aggregate classification (germline): Likely benign. Review status: criteria provided, multiple submitters, no conflicts (2 of 4 stars). 2 submissions from 2 submitters: Likely benign (2). Last evaluated 2026-02-24.

Conditions:
PEX13-related disorder. Also called: PEX13-related disorders; PEX13-related condition.
Peroxisome biogenesis disorder 11A (Zellweger). Also called: Peroxisome biogenesis disorder 11A. Identifiers: Orphanet 912, MedGen C3554000, MONDO:0013949, OMIM 614883.

Allele frequency attached by ClinVar (database versions not stated): gnomAD exomes below 0.00001; TOPMed below 0.00001; ExAC 0.00001.
gnomAD v4.1: 1 of 1,614,144 alleles (0.000062%); highest among the groups gnomAD compares: Non-Finnish European, 0.000085%; no homozygotes.

Submissions (2):

PreventionGenetics, part of Exact Sciences
Classification: Likely benign for PEX13-related condition. Last evaluated: 2026-02-24. Review status: criteria provided, single submitter. Criteria: ACMG Guidelines, 2015. Collection method: clinical testing. Allele origin: germline.
Comment: This variant is classified as likely benign based on ACMG/AMP sequence variant interpretation guidelines (Richards et al. 2015 PMID: 25741868, with internal and published modifications).

Labcorp Genetics (formerly Invitae), Labcorp
Classification: Likely benign for Peroxisome biogenesis disorder 11A (Zellweger). Last evaluated: 2024-08-07. Review status: criteria provided, single submitter. Criteria: Invitae Variant Classification Sherloc (09022015). Collection method: clinical testing. Allele origin: germline.